The following is an entry in ClinVar:

ClinVar aggregate classification (germline): Uncertain significance (1 of 4 stars; one submission).

Conditions:
Epileptic encephalopathy. Identifiers: MedGen C0543888, HP:0200134.

Allele frequency attached by ClinVar (database versions not stated): gnomAD exomes 0.00005 and 0.00012; ESP Exome Variant Server 0.00008; gnomAD 0.00008 and 0.00009; TOPMed 0.00010.
gnomAD v4.1: 188 of 1,613,788 alleles (0.012%); highest among the groups gnomAD compares: Middle Eastern, 0.049%; no homozygotes.

Submission:

Labcorp Genetics (formerly Invitae), Labcorp
Classification: Uncertain significance for Epileptic encephalopathy. Last evaluated: 2020-06-30. Review status: criteria provided, single submitter. Criteria: Invitae Variant Classification Sherloc (09022015). Collection method: clinical testing. Allele origin: germline.
Comment: In summary, this variant has uncertain impact on RYR3 function. The available evidence is currently insufficient to determine its role in disease. Therefore, it has been classified as a Variant of Uncertain Significance. Algorithms developed to predict the effect of missense changes on protein structure and function do not agree on the potential impact of this missense change (SIFT: "Deleterious"; PolyPhen-2: "Probably Damaging"; Align-GVGD: "Class C0"). This variant has not been reported in the literature in individuals with a RYR3-related disease. This variant is present in population databases (rs376071087, ExAC 0.02%). This sequence change replaces arginine with cysteine at codon 4031 of the RYR3 protein (p.Arg4031Cys). The arginine residue is highly conserved and there is a large physicochemical difference between arginine and cysteine.

NM_001036.6(RYR3):c.12091C>T (p.Arg4031Cys)

Gene: RYR3 (ryanodine receptor 3; plus strand). Cytogenetic location: 15q14.
Variant type: single nucleotide variant.
Coding change: c.12091C>T on transcript NM_001036.6 (MANE Select); coding-DNA position 12091, C replaced by T.
Protein change: p.Arg4031Cys; replaces arginine 4031 with cysteine.
Molecular consequence: missense variant.
Genome position (GRCh38, 1-based): chr15:33,838,071, C>T. VCF-style: chr15-33838071-C-T. GRCh37 (hg19) VCF-style: chr15-34130272-C-T.
Other names: c.12076C>T, p.Arg4026Cys (NM_001243996.4); short protein forms R4031C, R4026C.
Identifiers: ClinVar variation 461848 (VCV000461848.10), dbSNP rs376071087, ClinGen allele CA7461352.